The following is an entry in ClinVar:

ClinVar aggregate classification (germline): Uncertain significance. Review status: criteria provided, multiple submitters, no conflicts (2 of 4 stars). 3 submissions from 3 submitters: Uncertain significance (3). Last evaluated 2025-06-13.

Conditions:
BNAR syndrome. Also called: Bifid Nose With or Without Anorectal and Renal Anomalies (BNAR) Syndrome. Identifiers: Orphanet 217266, MedGen C2750433, MONDO:0012165, OMIM 608980.
Oculotrichoanal syndrome (MOTA). Also called: MARLES SYNDROME; Manitoba Oculotrichoanal (MOTA) Syndrome. Identifiers: Orphanet 2717, MedGen C1855425, MONDO:0009560, OMIM 248450.
Trigonocephaly 2 (TRIGNO2). Identifiers: Orphanet 3366, MedGen C3280974, MONDO:0013774, OMIM 614485.

Allele frequency attached by ClinVar (database versions not stated): TOPMed 0.00007; ESP Exome Variant Server 0.00008; gnomAD exomes 0.00001; gnomAD 0.00004 and 0.00003; ExAC 0.00002.
gnomAD v4.1: 28 of 1,613,116 alleles (0.0017%); highest among the groups gnomAD compares: African/African-American, 0.017%; no homozygotes.

Submissions (3):

Labcorp Genetics (formerly Invitae), Labcorp
Classification: Uncertain significance. Last evaluated: 2025-06-13. Review status: criteria provided, single submitter. Criteria: Invitae Variant Classification Sherloc (09022015). Collection method: clinical testing. Allele origin: germline.
Comment: This sequence change replaces arginine, which is basic and polar, with glycine, which is neutral and non-polar, at codon 2096 of the FREM1 protein (p.Arg2096Gly). This variant is present in population databases (rs377200008, gnomAD 0.02%). This variant has not been reported in the literature in individuals affected with FREM1-related conditions. ClinVar contains an entry for this variant (Variation ID: 912641). An algorithm developed to predict the effect of missense changes on protein structure and function (PolyPhen-2) suggests that this variant is likely to be disruptive. In summary, the available evidence is currently insufficient to determine the role of this variant in disease. Therefore, it has been classified as a Variant of Uncertain Significance.

Fulgent Genetics
Classification: Uncertain significance for Oculotrichoanal syndrome; BNAR syndrome; Trigonocephaly 2. Last evaluated: 2024-06-11. Review status: criteria provided, single submitter. Criteria: ACMG Guidelines, 2015. Collection method: clinical testing. Allele origin: germline.

Illumina Laboratory Services, Illumina
Classification: Uncertain significance for Oculotrichoanal syndrome. Last evaluated: 2018-01-13. Review status: criteria provided, single submitter. Criteria: ICSL Variant Classification Criteria 13 December 2019. Collection method: clinical testing. Allele origin: germline.

NM_001379081.2(FREM1):c.6286A>G (p.Arg2096Gly)

Gene: FREM1 (FRAS1 related extracellular matrix 1; minus strand). Cytogenetic location: 9p22.3.
Variant type: single nucleotide variant.
Coding change: c.6286A>G on transcript NM_001379081.2 (MANE Select); coding-DNA position 6286, A replaced by G.
Protein change: p.Arg2096Gly; replaces arginine 2096 with glycine.
Molecular consequence: missense variant. On other transcripts: non-coding transcript variant (3).
Genome position (GRCh38, 1-based): chr9:14,740,203, T>C on the plus strand (A>G on the coding strand, the complement: FREM1 is on the minus strand). VCF-style: chr9-14740203-T-C. GRCh37 (hg19) VCF-style: chr9-14740201-T-C.
Other names: c.1894A>G, p.Arg632Gly (NM_001177704.3, NM_001370061.2); c.1628A>G, p.Gln543Arg (NM_001370058.2); c.6286A>G, p.Arg2096Gly (NM_144966.7); short protein forms R632G, R2096G, Q543R.
Identifiers: ClinVar variation 912641 (VCV000912641.8), dbSNP rs377200008, ClinGen allele CA4989454.